The following is an entry in ClinVar:

ClinVar aggregate classification (germline): Uncertain significance (1 of 4 stars; one submission).

Conditions:
Hereditary hemochromatosis (HFE). Identifiers: MedGen C0392514, MONDO:0006507. Disease mechanism: loss of function.

Submission:

Labcorp Genetics (formerly Invitae), Labcorp
Classification: Uncertain significance for Hereditary hemochromatosis. Last evaluated: 2025-12-06. Review status: criteria provided, single submitter. Criteria: Invitae Variant Classification Sherloc (09022015). Collection method: clinical testing. Allele origin: germline.
Comment: This sequence change replaces aspartic acid, which is acidic and polar, with asparagine, which is neutral and polar, at codon 129 of the HFE protein (p.Asp129Asn). This variant is present in population databases (rs200706856, gnomAD 0.0009%). This missense change has been observed in individual(s) with clinical features of hereditary hemochromatosis (PMID: 18762941). Invitae Evidence Modeling of protein sequence and biophysical properties (such as structural, functional, and spatial information, amino acid conservation, physicochemical variation, residue mobility, and thermodynamic stability) indicates that this missense variant is not expected to disrupt HFE protein function with a negative predictive value of 80%. In summary, the available evidence is currently insufficient to determine the role of this variant in disease. Therefore, it has been classified as a Variant of Uncertain Significance.

Literature cited by the submitters: PubMed 18762941.

NM_000410.4(HFE):c.385G>A (p.Asp129Asn)

Gene: HFE (homeostatic iron regulator; plus strand). Cytogenetic location: 6p22.2.
Variant type: single nucleotide variant.
Coding change: c.385G>A on transcript NM_000410.4 (MANE Select); coding-DNA position 385, G replaced by A.
Protein change: p.Asp129Asn; replaces aspartic acid 129 with asparagine.
Molecular consequence: missense variant. On other transcripts: intron variant (4).
Genome position (GRCh38, 1-based): chr6:26,091,358, G>A. VCF-style: chr6-26091358-G-A. GRCh37 (hg19) VCF-style: chr6-26091586-G-A.
Other names: c.385G>A, p.Asp129Asn (NM_001300749.3, NM_001384164.1, NM_001406751.1 and 1 more transcripts); c.121G>A, p.Asp41Asn (NM_001406752.1, NM_139007.3, NM_139008.3); c.316G>A, p.Asp106Asn (NM_139009.3); c.340+254G>A (NM_139004.3, NM_139003.3); c.77-1327G>A (NM_139010.3); c.77-1761G>A (NM_139011.3); short protein forms D106N, D129N, D41N.
Identifiers: ClinVar variation 4739431 (VCV004739431.1).